The following is an entry in ClinVar:

NM_024642.5(GALNT12):c.633C>G (p.Ala211=)

Gene: GALNT12 (polypeptide N-acetylgalactosaminyltransferase 12; plus strand). Cytogenetic location: 9q22.33.
Variant type: single nucleotide variant.
Coding change: c.633C>G on transcript NM_024642.5 (MANE Select); coding-DNA position 633, C replaced by G.
Protein change: p.Ala211=; no amino-acid change (alanine 211 retained).
Molecular consequence: synonymous variant.
Genome position (GRCh38, 1-based): chr9:98,826,843, C>G. VCF-style: chr9-98826843-C-G. GRCh37 (hg19) VCF-style: chr9-101589125-C-G.
Identifiers: ClinVar variation 4875785 (VCV004875785.1).
Genomic context (GRCh38, chr9:98,826,843, plus strand): 5'-TTCGGGACTGCCCAAGGTGCGCCTGATCCGCGCCAACAAGAGAGAGGGCCTGGTGCGAGC[C>G]CGGCTGCTGGGGGCGTCTGCGGCGAGGGGCGATGTTCTGACCTTCCTGGACTGTCACTGT-3'
Protein context (NP_078918.3, residues 201-221): RANKREGLVR[Ala211=]RLLGASAARG

ClinVar aggregate classification (germline): Benign (1 of 4 stars; one submission).

Conditions:
Colorectal cancer, susceptibility to, 1. Also called: COLORECTAL ADENOMA AND CANCER, SUSCEPTIBILITY TO; COLORECTAL CANCER, SUSCEPTIBILITY TO, ON CHROMOSOME 9. Identifiers: MedGen C1837315, MONDO:0012132, OMIM 608812.

Submission:

Myriad Genetics, Inc.
Classification: Benign for Colorectal cancer, susceptibility to, 1. Last evaluated: 2026-04-24. Review status: criteria provided, single submitter. Criteria: Myriad Autosomal Dominant, Autosomal Recessive and X-Linked Classification Criteria (2023). Collection method: clinical testing. Allele origin: unknown.
Comment: This variant is considered benign. This variant is a silent/synonymous amino acid change and it is not expected to impact splicing.